The following is an entry in ClinVar:

NM_020975.6(RET):c.2388G>T (p.Gln796His)

Gene: RET (ret proto-oncogene; plus strand). Cytogenetic location: 10q11.21.
Variant type: single nucleotide variant.
Coding change: c.2388G>T on transcript NM_020975.6 (MANE Select); coding-DNA position 2388, G replaced by T.
Protein change: p.Gln796His; replaces glutamine 796 with histidine.
Molecular consequence: missense variant.
Genome position (GRCh38, 1-based): chr10:43,118,476, G>T. VCF-style: chr10-43118476-G-T. GRCh37 (hg19) VCF-style: chr10-43613924-G-T.
Other names: c.2388G>T, p.Gln796His (NM_000323.2, NM_001406743.1, NM_001406744.1 and 4 more transcripts); c.1626G>T, p.Gln542His (NM_001355216.2); c.2259G>T, p.Gln753His (NM_001406761.1, NM_001406762.1, NM_001406764.1); c.2253G>T, p.Gln751His (NM_001406763.1, NM_001406765.1); c.2100G>T, p.Gln700His (NM_001406766.1, NM_001406767.1, NM_001406770.1); c.2124G>T, p.Gln708His (NM_001406768.1); c.1992G>T, p.Gln664His (NM_001406769.1, NM_001406772.1); c.1950G>T, p.Gln650His (NM_001406771.1, NM_001406773.1); and 10 more; short protein forms Q313H, Q452H, Q454H, Q497H, Q554H, Q796H, Q361H, Q401H.
Identifiers: ClinVar variation 2587876 (VCV002587876.5), dbSNP rs1328507414, ClinGen allele CA376555936.
Genomic context (GRCh38, chr10:43,118,476, plus strand): 5'-CAACGTCCTGAAGCAGGTCAACCACCCACATGTCATCAAATTGTATGGGGCCTGCAGCCA[G>T]GATGGTAAGGCCAGCTGCAGGGTGAGGTGGGCAGCCACTGCACCCAGGCTGGGGGCTCCA-3'
Protein context (NP_066124.1, residues 786-806): HVIKLYGACS[Gln796His]DGPLLLIVEY

ClinVar aggregate classification (germline): Uncertain significance. Review status: criteria provided, multiple submitters, no conflicts (2 of 4 stars). 2 submissions from 2 submitters: Uncertain significance (2). Last evaluated 2025-08-13.

Conditions:
Multiple endocrine neoplasia, type 2 (MEN2). Identifiers: Orphanet 653, MedGen C4048306, MONDO:0019003. Disease mechanism: gain of function.
Hereditary cancer-predisposing syndrome. Also called: Tumor predisposition; Hereditary Cancer Syndrome; Hereditary neoplastic syndrome; Neoplastic Syndromes, Hereditary. Identifiers: Orphanet 140162, MedGen C0027672, MeSH D009386, MONDO:0015356.

Submissions (2):

Labcorp Genetics (formerly Invitae), Labcorp
Classification: Uncertain significance for Multiple endocrine neoplasia, type 2. Last evaluated: 2025-08-13. Review status: criteria provided, single submitter. Criteria: Invitae Variant Classification Sherloc (09022015). Collection method: clinical testing. Allele origin: germline.
Comment: This sequence change replaces glutamine, which is neutral and polar, with histidine, which is basic and polar, at codon 796 of the RET protein (p.Gln796His). This variant is not present in population databases (gnomAD no frequency). This variant has not been reported in the literature in individuals affected with RET-related conditions. ClinVar contains an entry for this variant (Variation ID: 2587876). An algorithm developed to predict the effect of missense changes on protein structure and function (PolyPhen-2) suggests that this variant is likely to be disruptive. In summary, the available evidence is currently insufficient to determine the role of this variant in disease. Therefore, it has been classified as a Variant of Uncertain Significance.

Ambry Genetics
Classification: Uncertain significance for Hereditary cancer-predisposing syndrome. Last evaluated: 2023-07-10. Review status: criteria provided, single submitter. Criteria: Ambry Variant Classification Scheme 2023. Collection method: clinical testing. Allele origin: germline.
Comment: The p.Q796H variant (also known as c.2388G>T), located in coding exon 13 of the RET gene, results from a G to T substitution at nucleotide position 2388. The glutamine at codon 796 is replaced by histidine, an amino acid with highly similar properties. This amino acid position is conserved. In addition, the in silico prediction for this alteration is inconclusive. Since supporting evidence is limited at this time, the clinical significance of this alteration remains unclear.